The following is an entry in ClinVar:

NM_004281.4(BAG3):c.421A>G (p.Met141Val)

Gene: BAG3 (BAG cochaperone 3; plus strand). Cytogenetic location: 10q26.11.
Variant type: single nucleotide variant.
Coding change: c.421A>G on transcript NM_004281.4 (MANE Select); coding-DNA position 421, A replaced by G.
Protein change: p.Met141Val; replaces methionine 141 with valine.
Molecular consequence: missense variant.
Genome position (GRCh38, 1-based): chr10:119,670,091, A>G. VCF-style: chr10-119670091-A-G. GRCh37 (hg19) VCF-style: chr10-121429603-A-G.
Other names: short protein forms M141V.
Identifiers: ClinVar variation 1950160 (VCV001950160.5), dbSNP rs1847126581, ClinGen allele CA378295052.

ClinVar aggregate classification (germline): Conflicting classifications of pathogenicity. Review status: criteria provided, conflicting classifications (1 of 4 stars). 2 submissions from 2 submitters: Uncertain significance (1); Likely benign (1). Last evaluated 2024-12-20.

Conditions:
Cardiovascular phenotype. Identifiers: MedGen CN230736.
Myofibrillar myopathy 6. Identifiers: Orphanet 199340, MedGen C2751831, MONDO:0013061, OMIM 612954.
Dilated cardiomyopathy 1HH (CMD1HH). Identifiers: Orphanet 154, MedGen C3151293, MONDO:0013479, OMIM 613881.

Allele frequency attached by ClinVar (database versions not stated): gnomAD exomes below 0.00001; gnomAD 0.00001; TOPMed 0.00001.

Submissions (2):

Labcorp Genetics (formerly Invitae), Labcorp
Classification: Uncertain significance for Dilated cardiomyopathy 1HH; Myofibrillar myopathy 6. Last evaluated: 2024-12-20. Review status: criteria provided, single submitter. Criteria: Invitae Variant Classification Sherloc (09022015). Collection method: clinical testing. Allele origin: germline.
Comment: This sequence change replaces methionine, which is neutral and non-polar, with valine, which is neutral and non-polar, at codon 141 of the BAG3 protein (p.Met141Val). This variant is not present in population databases (gnomAD no frequency). This variant has not been reported in the literature in individuals affected with BAG3-related conditions. ClinVar contains an entry for this variant (Variation ID: 1950160). Invitae Evidence Modeling of protein sequence and biophysical properties (such as structural, functional, and spatial information, amino acid conservation, physicochemical variation, residue mobility, and thermodynamic stability) indicates that this missense variant is not expected to disrupt BAG3 protein function with a negative predictive value of 80%. In summary, the available evidence is currently insufficient to determine the role of this variant in disease. Therefore, it has been classified as a Variant of Uncertain Significance.

Ambry Genetics
Classification: Likely benign for Cardiovascular phenotype. Last evaluated: 2024-11-20. Review status: criteria provided, single submitter. Criteria: Ambry Variant Classification Scheme 2023. Collection method: clinical testing. Allele origin: germline.